The following is an entry in ClinVar:

NM_000535.7(PMS2):c.705+5T>G

Gene: PMS2 (PMS1 homolog 2, mismatch repair system component; minus strand). Cytogenetic location: 7p22.1.
Variant type: single nucleotide variant.
Coding change: c.705+5T>G on transcript NM_000535.7 (MANE Select); 5 bases into the intron after coding-DNA position 705, T replaced by G.
Molecular consequence: intron variant.
Genome position (GRCh38, 1-based): chr7:5,999,103, A>C on the plus strand (T>G on the coding strand, the complement: PMS2 is on the minus strand). VCF-style: chr7-5999103-A-C. GRCh37 (hg19) VCF-style: chr7-6038734-A-C.
Other names: c.387+5T>G (NM_001322008.2, NM_001322007.2); c.300+5T>G (NM_001322010.2, NM_001322004.2, NM_001322003.2 and 2 more transcripts); c.133-1680T>G (NM_001322013.2); c.-229+5T>G (NM_001322012.2, NM_001322011.2); c.396+5T>G (NM_001322015.2); c.705+5T>G (NM_001322006.2, NM_001322014.2).
Identifiers: ClinVar variation 1756887 (VCV001756887.5), dbSNP rs763422964, ClinGen allele CA051121.

ClinVar aggregate classification (germline): Uncertain significance. Review status: criteria provided, multiple submitters, no conflicts (2 of 4 stars). 2 submissions from 2 submitters: Uncertain significance (2). Last evaluated 2025-02-17.

Conditions:
Hereditary nonpolyposis colorectal neoplasms. Identifiers: MedGen C0009405, MeSH D003123.
Hereditary cancer-predisposing syndrome. Also called: Neoplastic Syndromes, Hereditary; Tumor predisposition; Hereditary Cancer Syndrome; Hereditary neoplastic syndrome. Identifiers: Orphanet 140162, MedGen C0027672, MeSH D009386, MONDO:0015356.

Allele frequency attached by ClinVar (database versions not stated): ExAC 0.00001.
gnomAD v4.1: 1 of 1,614,036 alleles (0.000062%); highest among the groups gnomAD compares: South Asian, 0.0011%; no homozygotes.

Submissions (2):

Labcorp Genetics (formerly Invitae), Labcorp
Classification: Uncertain significance for Hereditary nonpolyposis colorectal neoplasms. Last evaluated: 2025-02-17. Review status: criteria provided, single submitter. Criteria: Invitae Variant Classification Sherloc (09022015). Collection method: clinical testing. Allele origin: germline.
Comment: This sequence change falls in intron 6 of the PMS2 gene. It does not directly change the encoded amino acid sequence of the PMS2 protein. It affects a nucleotide within the consensus splice site. This variant is present in population databases (rs763422964, gnomAD 0.003%). This variant has not been reported in the literature in individuals affected with PMS2-related conditions. ClinVar contains an entry for this variant (Variation ID: 1756887). Variants that disrupt the consensus splice site are a relatively common cause of aberrant splicing (PMID: 17576681, 9536098). Algorithms developed to predict the effect of sequence changes on RNA splicing suggest that this variant is not likely to affect RNA splicing. In summary, the available evidence is currently insufficient to determine the role of this variant in disease. Therefore, it has been classified as a Variant of Uncertain Significance.

Ambry Genetics
Classification: Uncertain significance for Hereditary cancer-predisposing syndrome. Last evaluated: 2020-09-30. Review status: criteria provided, single submitter. Criteria: Ambry Variant Classification Scheme 2023. Collection method: clinical testing. Allele origin: germline.
Comment: The c.705+5T>G intronic variant results from a T to G substitution 5 nucleotides after coding exon 6 in the PMS2 gene. This nucleotide position is well conserved in available vertebrate species. In silico splice site analysis predicts that this alteration will not have any significant effect on splicing. Since supporting evidence is limited at this time, the clinical significance of this alteration remains unclear.

Literature cited by the submitters: PubMed 17576681 (cited by Labcorp Genetics (formerly Invitae), Labcorp); PubMed 9536098 (cited by Labcorp Genetics (formerly Invitae), Labcorp).